The following is an entry in ClinVar:

NM_000088.4(COL1A1):c.471+5G>T

Gene: COL1A1 (collagen type I alpha 1 chain; minus strand). Cytogenetic location: 17q21.33.
Variant type: single nucleotide variant.
Coding change: c.471+5G>T on transcript NM_000088.4 (MANE Select); 5 bases into the intron after coding-DNA position 471, G replaced by T.
Molecular consequence: intron variant.
Genome position (GRCh38, 1-based): chr17:50,199,221, C>A on the plus strand (G>T on the coding strand, the complement: COL1A1 is on the minus strand). VCF-style: chr17-50199221-C-A. GRCh37 (hg19) VCF-style: chr17-48276582-C-A.
Identifiers: ClinVar variation 526844 (VCV000526844.10), dbSNP rs1555575015, ClinGen allele CA658798906.

ClinVar aggregate classification (germline): Conflicting classifications of pathogenicity. Review status: criteria provided, conflicting classifications (1 of 4 stars). 2 submissions from 2 submitters: Pathogenic (1); Uncertain significance (1). Last evaluated 2024-09-04.

Conditions:
Osteogenesis imperfecta type I (OI1). Also called: OSTEOGENESIS IMPERFECTA TARDA; OSTEOGENESIS IMPERFECTA WITH BLUE SCLERAE; Lobstein disease; Lobstein's Disease; Classic Non-deforming Osteogenesis Imperfecta with Blue Sclerae; OI, TYPE I. Identifiers: Orphanet 216796, Orphanet 666, MedGen C0023931, MONDO:0008146, OMIM 166200. Disease mechanism: loss of function.

Submissions (2):

Blueprint Genetics
Classification: Uncertain significance. Last evaluated: 2024-09-04. Review status: criteria provided, single submitter. Criteria: ACMG Guidelines, 2015. Collection method: clinical testing. Allele origin: germline.

Labcorp Genetics (formerly Invitae), Labcorp
Classification: Pathogenic for Osteogenesis imperfecta type I. Last evaluated: 2023-07-10. Review status: criteria provided, single submitter. Criteria: Invitae Variant Classification Sherloc (09022015). Collection method: clinical testing. Allele origin: germline.
Comment: This sequence change falls in intron 5 of the COL1A1 gene. It does not directly change the encoded amino acid sequence of the COL1A1 protein. It affects a nucleotide within the consensus splice site. This variant is not present in population databases (gnomAD no frequency). This variant has been observed in individuals with clinical features of osteogenesis imperfecta (Invitae). ClinVar contains an entry for this variant (Variation ID: 526844). Variants that disrupt the consensus splice site are a relatively common cause of aberrant splicing (PMID: 17576681, 9536098). Algorithms developed to predict the effect of sequence changes on RNA splicing suggest that this variant may create or strengthen a splice site. This variant disrupts the c.471+5G nucleotide in the COL1A1 gene. Other variant(s) that disrupt this nucleotide have been determined to be pathogenic (Invitae). This suggests that this nucleotide is clinically significant, and that variants that disrupt this position are likely to be disease-causing. For these reasons, this variant has been classified as Pathogenic.

Literature cited by the submitters: PubMed 17576681 (cited by Labcorp Genetics (formerly Invitae), Labcorp); PubMed 9536098 (cited by Labcorp Genetics (formerly Invitae), Labcorp).